The following is an entry in ClinVar:

NM_001039876.3(SYNE4):c.618+2T>A

Gene: SYNE4 (spectrin repeat containing nuclear envelope family member 4; minus strand). Cytogenetic location: 19q13.12.
Variant type: single nucleotide variant.
Coding change: c.618+2T>A on transcript NM_001039876.3 (MANE Select); the canonical splice donor site of the intron after coding-DNA position 618, T replaced by A.
Molecular consequence: splice donor variant. On other transcripts: intron variant (1).
Genome position (GRCh38, 1-based): chr19:36,006,748, A>T on the plus strand (T>A on the coding strand, the complement: SYNE4 is on the minus strand). VCF-style: chr19-36006748-A-T. GRCh37 (hg19) VCF-style: chr19-36497650-A-T.
Other names: c.618+2T>A (NM_001039876.2); c.280-77T>A (NM_001297735.3).
Identifiers: ClinVar variation 3020134 (VCV003020134.6), dbSNP rs748326281, ClinGen allele CA9393895.

ClinVar aggregate classification (germline): Likely pathogenic. Review status: criteria provided, multiple submitters, no conflicts (2 of 4 stars). 3 submissions from 3 submitters: Likely pathogenic (3). Last evaluated 2026-03-03.

Conditions:
SYNE4-related disorder. Also called: SYNE4-related condition.
Autosomal recessive nonsyndromic hearing loss 76. Also called: Deafness, autosomal recessive 76. Identifiers: Orphanet 90636, MedGen C3147083, MONDO:0014237, OMIM 615540.

Allele frequency attached by ClinVar (database versions not stated): ExAC 0.00002; gnomAD 0.00003; TOPMed 0.00003.
gnomAD v4.1: 43 of 1,606,434 alleles (0.0027%); highest among the groups gnomAD compares: Non-Finnish European, 0.0033%; no homozygotes.

Submissions (4):

PreventionGenetics, part of Exact Sciences
Classification: Likely pathogenic for SYNE4-related condition. Last evaluated: 2026-03-03. Review status: criteria provided, single submitter. Criteria: ACMG Guidelines, 2015. Collection method: clinical testing. Allele origin: germline.
Comment: The SYNE4 c.618+2T>A variant is predicted to disrupt the GT donor site and interfere with normal splicing. To our knowledge, this variant has not been reported in the literature. This variant is reported in 0.0028% of alleles in individuals of European (Non-Finnish) descent in gnomAD. Variants that disrupt the consensus splice donor site in SYNE4 are expected to be pathogenic. This variant is interpreted as likely pathogenic.

Fulgent Genetics
Classification: Likely pathogenic for Autosomal recessive nonsyndromic hearing loss 76. Last evaluated: 2024-04-22. Review status: criteria provided, single submitter. Criteria: ACMG Guidelines, 2015. Collection method: clinical testing. Allele origin: germline.

Labcorp Genetics (formerly Invitae), Labcorp
Classification: Likely pathogenic. Last evaluated: 2023-10-18. Review status: criteria provided, single submitter. Criteria: Invitae Variant Classification Sherloc (09022015). Collection method: clinical testing. Allele origin: germline.
Comment: This sequence change affects a donor splice site in intron 4 of the SYNE4 gene. It is expected to disrupt RNA splicing. Variants that disrupt the donor or acceptor splice site typically lead to a loss of protein function (PMID: 16199547), and loss-of-function variants in SYNE4 are known to be pathogenic (PMID: 23348741, 28958982). This variant is present in population databases (rs748326281, gnomAD 0.004%). This variant has not been reported in the literature in individuals affected with SYNE4-related conditions. Algorithms developed to predict the effect of sequence changes on RNA splicing suggest that this variant may disrupt the consensus splice site. In summary, the currently available evidence indicates that the variant is pathogenic, but additional data are needed to prove that conclusively. Therefore, this variant has been classified as Likely Pathogenic.

Dr. Peter K. Rogan Lab, Western University
No classification provided (evidence only). Condition: Ovarian serous cystadenocarcinoma. Review status: no classification provided. Collection method: in vitro. Allele origin: not applicable. Functional consequence: retained intron. Not counted in ClinVar's aggregate classification.

Literature cited by the submitters: PubMed 16199547 (cited by Labcorp Genetics (formerly Invitae), Labcorp); PubMed 23348741 (cited by Labcorp Genetics (formerly Invitae), Labcorp); PubMed 28958982 (cited by Labcorp Genetics (formerly Invitae), Labcorp).